The following is an entry in ClinVar:

NM_001368882.1(COL13A1):c.644A>G (p.Gln215Arg)

Gene: COL13A1 (collagen type XIII alpha 1 chain; plus strand). Cytogenetic location: 10q22.1.
Variant type: single nucleotide variant.
Coding change: c.644A>G on transcript NM_001368882.1 (MANE Select); coding-DNA position 644, A replaced by G.
Protein change: p.Gln215Arg; replaces glutamine 215 with arginine.
Molecular consequence: missense variant.
Genome position (GRCh38, 1-based): chr10:69,894,688, A>G. VCF-style: chr10-69894688-A-G. GRCh37 (hg19) VCF-style: chr10-71654444-A-G.
Other names: c.617A>G, p.Gln206Arg (NM_001130103.2, NM_080800.4, NM_080801.4 and 1 more transcripts); c.644A>G, p.Gln215Arg (NM_001320951.2, NM_001368884.1); c.608A>G, p.Gln203Arg (NM_001368883.1, NM_001368885.1); c.44A>G, p.Gln15Arg (NM_001368886.1); c.554A>G, p.Gln185Arg (NM_001368895.1); c.503A>G, p.Gln168Arg (NM_001368896.1, NM_001368898.1, NM_080798.4); c.530A>G, p.Gln177Arg (NM_001368897.1, NM_080805.4); c.617A>G (NM_001130103.1); short protein forms Q15R, Q177R, Q203R, Q185R, Q215R, Q206R, Q168R.
Identifiers: ClinVar variation 1406244 (VCV001406244.9), dbSNP rs753497419, ClinGen allele CA5534340.

ClinVar aggregate classification (germline): Uncertain significance. Review status: criteria provided, multiple submitters, no conflicts (2 of 4 stars). 2 submissions from 2 submitters: Uncertain significance (2). Last evaluated 2025-01-17.

Conditions:
Inborn genetic diseases. Identifiers: MedGen C0950123, MeSH D030342.

Allele frequency attached by ClinVar (database versions not stated): TOPMed below 0.00001; gnomAD 0.00001; gnomAD exomes 0.00001; ExAC 0.00002.
gnomAD v4.1: 35 of 1,613,906 alleles (0.0022%); highest among the groups gnomAD compares: Non-Finnish European, 0.0029%; no homozygotes.

Submissions (2):

Ambry Genetics
Classification: Uncertain significance for Inborn genetic diseases. Last evaluated: 2025-01-17. Review status: criteria provided, single submitter. Criteria: Ambry Variant Classification Scheme 2023. Collection method: clinical testing. Allele origin: germline.

Labcorp Genetics (formerly Invitae), Labcorp
Classification: Uncertain significance. Last evaluated: 2024-02-24. Review status: criteria provided, single submitter. Criteria: Invitae Variant Classification Sherloc (09022015). Collection method: clinical testing. Allele origin: germline.
Comment: This sequence change replaces glutamine, which is neutral and polar, with arginine, which is basic and polar, at codon 206 of the COL13A1 protein (p.Gln206Arg). This variant is present in population databases (rs753497419, gnomAD 0.002%). This variant has not been reported in the literature in individuals affected with COL13A1-related conditions. ClinVar contains an entry for this variant (Variation ID: 1406244). An algorithm developed to predict the effect of missense changes on protein structure and function (PolyPhen-2) suggests that this variant is likely to be disruptive. In summary, the available evidence is currently insufficient to determine the role of this variant in disease. Therefore, it has been classified as a Variant of Uncertain Significance.